The following is an entry in ClinVar:

NM_014679.5(CEP57):c.440T>C (p.Leu147Ser)

Gene: CEP57 (centrosomal protein 57; plus strand). Cytogenetic location: 11q21.
Variant type: single nucleotide variant.
Coding change: c.440T>C on transcript NM_014679.5 (MANE Select); coding-DNA position 440, T replaced by C.
Protein change: p.Leu147Ser; replaces leucine 147 with serine.
Molecular consequence: missense variant.
Genome position (GRCh38, 1-based): chr11:95,813,525, T>C. VCF-style: chr11-95813525-T-C. GRCh37 (hg19) VCF-style: chr11-95546689-T-C.
Other names: c.413T>C, p.Leu138Ser (NM_001243776.2); c.440T>C, p.Leu147Ser (NM_001243777.2); c.359T>C, p.Leu120Ser (NM_001363604.2); short protein forms L138S, L120S, L147S.
Identifiers: ClinVar variation 954847 (VCV000954847.12), dbSNP rs143361668, ClinGen allele CA6239474.

ClinVar aggregate classification (germline): Uncertain significance. Review status: criteria provided, multiple submitters, no conflicts (2 of 4 stars). 2 submissions from 2 submitters: Uncertain significance (2). Last evaluated 2025-10-25.

Conditions:
Mosaic variegated aneuploidy syndrome 2 (MVA2). Identifiers: Orphanet 1052, MedGen C3279843, MONDO:0013582, OMIM 614114.
Inborn genetic diseases. Identifiers: MedGen C0950123, MeSH D030342.

Allele frequency attached by ClinVar (database versions not stated): ExAC 0.00002; gnomAD exomes 0.00002 and 0.00006; gnomAD 0.00003 and 0.00004; TOPMed 0.00003; ESP Exome Variant Server 0.00015.
gnomAD v4.1: 90 of 1,613,036 alleles (0.0056%); highest among the groups gnomAD compares: Non-Finnish European, 0.0075%; no homozygotes.

Submissions (2):

Labcorp Genetics (formerly Invitae), Labcorp
Classification: Uncertain significance for Mosaic variegated aneuploidy syndrome 2. Last evaluated: 2025-10-25. Review status: criteria provided, single submitter. Criteria: Invitae Variant Classification Sherloc (09022015). Collection method: clinical testing. Allele origin: germline.
Comment: This sequence change replaces leucine, which is neutral and non-polar, with serine, which is neutral and polar, at codon 147 of the CEP57 protein (p.Leu147Ser). This variant is present in population databases (rs143361668, gnomAD 0.007%). This variant has not been reported in the literature in individuals affected with CEP57-related conditions. ClinVar contains an entry for this variant (Variation ID: 954847). Invitae Evidence Modeling of protein sequence and biophysical properties (such as structural, functional, and spatial information, amino acid conservation, physicochemical variation, residue mobility, and thermodynamic stability) has been performed for this missense variant. However, the output from this modeling did not meet the statistical confidence thresholds required to predict the impact of this variant on CEP57 protein function. In summary, the available evidence is currently insufficient to determine the role of this variant in disease. Therefore, it has been classified as a Variant of Uncertain Significance.

Ambry Genetics
Classification: Uncertain significance for Inborn genetic diseases. Last evaluated: 2024-11-22. Review status: criteria provided, single submitter. Criteria: Ambry Variant Classification Scheme 2023. Collection method: clinical testing. Allele origin: germline.
Comment: The p.L147S variant (also known as c.440T>C), located in coding exon 4 of the CEP57 gene, results from a T to C substitution at nucleotide position 440. The leucine at codon 147 is replaced by serine, an amino acid with dissimilar properties. This amino acid position is conserved. In addition, this alteration is predicted to be deleterious by in silico analysis. Based on the available evidence, the clinical significance of this variant remains unclear.